The following is an entry in ClinVar:

ClinVar aggregate classification (germline): Likely benign. Review status: criteria provided, single submitter (1 of 4 stars). 2 submissions from 2 submitters: Likely benign (1). 1 of the submissions does not count toward it. Last evaluated 2025-11-08.

Conditions:
Camptomelic dysplasia (CMPD). Also called: Campomelic Dysplasia; CMPD1/SRA1. Identifiers: Orphanet 140, MedGen C1861922, MONDO:0007251, OMIM 114290.
SOX9-related disorder. Also called: SOX9-related condition.

gnomAD v4.1: 1 of 1,613,926 alleles (0.000062%); no homozygotes.

Submissions (2):

Labcorp Genetics (formerly Invitae), Labcorp
Classification: Likely benign for Camptomelic dysplasia. Last evaluated: 2025-11-08. Review status: criteria provided, single submitter. Criteria: Invitae Variant Classification Sherloc (09022015). Collection method: clinical testing. Allele origin: germline.

PreventionGenetics, part of Exact Sciences
Classification: Likely benign for SOX9-related condition. Last evaluated: 2019-08-27. Review status: no assertion criteria provided. Collection method: clinical testing. Allele origin: germline. Not counted in ClinVar's aggregate classification.
Comment: This variant is classified as likely benign based on ACMG/AMP sequence variant interpretation guidelines (Richards et al. 2015 PMID: 25741868, with internal and published modifications).

NM_000346.4(SOX9):c.760C>A (p.Arg254=)

Gene: SOX9 (SRY-box transcription factor 9; plus strand). Cytogenetic location: 17q24.3.
Variant type: single nucleotide variant.
Coding change: c.760C>A on transcript NM_000346.4 (MANE Select); coding-DNA position 760, C replaced by A.
Protein change: p.Arg254=; no amino-acid change (arginine 254 retained).
Molecular consequence: synonymous variant.
Genome position (GRCh38, 1-based): chr17:72,123,617, C>A. VCF-style: chr17-72123617-C-A. GRCh37 (hg19) VCF-style: chr17-70119758-C-A.
Identifiers: ClinVar variation 3357025 (VCV003357025.2).